The following is an entry in ClinVar:

NM_080680.3(COL11A2):c.2387G>C (p.Gly796Ala)

Gene: COL11A2 (collagen type XI alpha 2 chain; minus strand). Cytogenetic location: 6p21.32.
Variant type: single nucleotide variant.
Coding change: c.2387G>C on transcript NM_080680.3 (MANE Select); coding-DNA position 2387, G replaced by C.
Protein change: p.Gly796Ala; replaces glycine 796 with alanine.
Molecular consequence: missense variant.
Genome position (GRCh38, 1-based): chr6:33,174,570, C>G on the plus strand (G>C on the coding strand, the complement: COL11A2 is on the minus strand). VCF-style: chr6-33174570-C-G. GRCh37 (hg19) VCF-style: chr6-33142347-C-G.
Other names: c.2066G>C, p.Gly689Ala (NM_080679.3); c.2129G>C, p.Gly710Ala (NM_080681.3); short protein forms G710A, G796A, G689A.
Identifiers: ClinVar variation 1464945 (VCV001464945.4), dbSNP rs1361979037, ClinGen allele CA363644432.
Genomic context (GRCh38, chr6:33,174,570, plus strand): 5'-ATGGGGCATGGCATCACCTTGGGTCCCTGACGTCCAGGATAGCCAGGCAGACCAGGAACA[C>G]CCAGCTTGCCCTGTGGAGGGACAGGAAGCAGTTAGGAGTGAGAGGAGGCCCAGATGCCAC-3'
Protein context (NP_542411.2, residues 786-806): PGLMGEKGKL[Gly796Ala]VPGLPGYPGR

ClinVar aggregate classification (germline): Uncertain significance (1 of 4 stars; one submission).

Allele frequency attached by ClinVar (database versions not stated): gnomAD 0.00001; TOPMed 0.00002.
gnomAD v4.1: 6 of 1,612,300 alleles (0.00037%); highest among the groups gnomAD compares: African/African-American, 0.008%; no homozygotes.

Submission:

Labcorp Genetics (formerly Invitae), Labcorp
Classification: Uncertain significance. Last evaluated: 2025-06-24. Review status: criteria provided, single submitter. Criteria: Invitae Variant Classification Sherloc (09022015). Collection method: clinical testing. Allele origin: germline.
Comment: This sequence change replaces glycine, which is neutral and non-polar, with alanine, which is neutral and non-polar, at codon 796 of the COL11A2 protein (p.Gly796Ala). This variant is not present in population databases (gnomAD no frequency). This variant has not been reported in the literature in individuals affected with COL11A2-related conditions. ClinVar contains an entry for this variant (Variation ID: 1464945). Invitae Evidence Modeling of protein sequence and biophysical properties (such as structural, functional, and spatial information, amino acid conservation, physicochemical variation, residue mobility, and thermodynamic stability) indicates that this missense variant is expected to disrupt COL11A2 protein function with a positive predictive value of 95%. In summary, the available evidence is currently insufficient to determine the role of this variant in disease. Therefore, it has been classified as a Variant of Uncertain Significance.